The following is an entry in ClinVar:

ClinVar aggregate classification (germline): Uncertain significance. Review status: criteria provided, multiple submitters, no conflicts (2 of 4 stars). 2 submissions from 2 submitters: Uncertain significance (2). Last evaluated 2024-08-07.

Conditions:
Familial thoracic aortic aneurysm and aortic dissection (TAAD). Also called: Thoracic aortic aneurysms and dissections. Identifiers: Orphanet 91387, MedGen C4707243, MONDO:0019625.

Submissions (2):

GeneDx
Classification: Uncertain significance. Last evaluated: 2024-08-07. Review status: criteria provided, single submitter. Criteria: GeneDx Variant Classification Process June 2021. Collection method: clinical testing. Allele origin: germline. Affected: yes.
Comment: Identified in a patient with aortic dissection and craniofacial and dermal connective tissue features (PMID: 25944730); Not observed at significant frequency in large population cohorts (gnomAD); In silico analysis supports that this missense variant has a deleterious effect on protein structure/function; This variant is associated with the following publications: (PMID: 25944730)

Labcorp Genetics (formerly Invitae), Labcorp
Classification: Uncertain significance for Familial thoracic aortic aneurysm and aortic dissection. Last evaluated: 2024-05-08. Review status: criteria provided, single submitter. Criteria: Invitae Variant Classification Sherloc (09022015). Collection method: clinical testing. Allele origin: germline.
Comment: This sequence change replaces threonine, which is neutral and polar, with proline, which is neutral and non-polar, at codon 390 of the SMAD3 protein (p.Thr390Pro). This variant is not present in population databases (gnomAD no frequency). This missense change has been observed in individual(s) with Loeys Dietz syndrome (PMID: 25944730). Advanced modeling of protein sequence and biophysical properties (such as structural, functional, and spatial information, amino acid conservation, physicochemical variation, residue mobility, and thermodynamic stability) performed at Invitae indicates that this missense variant is expected to disrupt SMAD3 protein function with a positive predictive value of 80%. In summary, the available evidence is currently insufficient to determine the role of this variant in disease. Therefore, it has been classified as a Variant of Uncertain Significance.

Literature cited by the submitters: PubMed 25944730 (cited by Labcorp Genetics (formerly Invitae), Labcorp).

NM_005902.4(SMAD3):c.1168A>C (p.Thr390Pro)

Gene: SMAD3 (SMAD family member 3; plus strand). Cytogenetic location: 15q22.33.
Variant type: single nucleotide variant.
Coding change: c.1168A>C on transcript NM_005902.4 (MANE Select); coding-DNA position 1168, A replaced by C.
Protein change: p.Thr390Pro; replaces threonine 390 with proline.
Molecular consequence: missense variant.
Genome position (GRCh38, 1-based): chr15:67,190,426, A>C. VCF-style: chr15-67190426-A-C. GRCh37 (hg19) VCF-style: chr15-67482764-A-C.
Other names: c.853A>C, p.Thr285Pro (NM_001145102.2, NM_001407016.1); c.1036A>C, p.Thr346Pro (NM_001145103.2, NM_001407012.1); c.583A>C, p.Thr195Pro (NM_001145104.2, NM_001407017.1); c.1279A>C, p.Thr427Pro (NM_001407011.1); c.1030A>C, p.Thr344Pro (NM_001407013.1); c.1021A>C, p.Thr341Pro (NM_001407014.1); c.721A>C, p.Thr241Pro (NM_001407015.1); short protein forms T195P, T241P, T285P, T341P, T344P, T346P, T390P, T427P.
Identifiers: ClinVar variation 3602913 (VCV003602913.3).